The following is an entry in ClinVar:

NM_012424.6(RPS6KC1):c.2476T>G (p.Ser826Ala)

Gene: RPS6KC1 (ribosomal protein S6 kinase C1; plus strand). Cytogenetic location: 1q32.3.
Variant type: single nucleotide variant.
Coding change: c.2476T>G on transcript NM_012424.6 (MANE Select); coding-DNA position 2476, T replaced by G.
Protein change: p.Ser826Ala; replaces serine 826 with alanine.
Molecular consequence: missense variant. On other transcripts: non-coding transcript variant (4).
Genome position (GRCh38, 1-based): chr1:213,241,952, T>G. VCF-style: chr1-213241952-T-G. GRCh37 (hg19) VCF-style: chr1-213415295-T-G.
Other names: c.1081T>G, p.Ser361Ala (NM_001287220.3, NM_001349665.2, NM_001349666.2 and 8 more transcripts); c.1933T>G, p.Ser645Ala (NM_001287221.3, NM_001349648.2, NM_001349649.2 and 4 more transcripts); c.2383T>G, p.Ser795Ala (NM_001349646.2); c.2113T>G, p.Ser705Ala (NM_001349647.2); c.1840T>G, p.Ser614Ala (NM_001349654.2, NM_001287218.3, NM_001287219.3); c.1585T>G, p.Ser529Ala (NM_001349657.2, NM_001349658.2); c.1420T>G, p.Ser474Ala (NM_001349659.2, NM_001349660.2, NM_001349661.2 and 1 more transcripts); c.2440T>G, p.Ser814Ala (NM_001136138.4); short protein forms S814A, S361A, S529A, S795A, S614A, S645A, S474A, S705A.
Identifiers: ClinVar variation 1367037 (VCV001367037.6), dbSNP rs776693648, ClinGen allele CA1387624.
Genomic context (GRCh38, chr1:213,241,952, plus strand): 5'-GAGTCAGCAGTAACTGCAAACAACACAGAAGAAAGCTTATTCCGTATTTGTAGTCCACTC[T>G]CAGGTGCTAATGAATATATTGCAAGCACAGACACTTTAAAAACAGAAGAAGTATTGCTGT-3'
Protein context (NP_036556.2, residues 816-836): ESLFRICSPL[Ser826Ala]GANEYIASTD

ClinVar aggregate classification (germline): Uncertain significance (1 of 4 stars; one submission).

Allele frequency attached by ClinVar (database versions not stated): TOPMed below 0.00001; ExAC 0.00001; gnomAD 0.00001; gnomAD exomes 0.00002 and 0.00004.
gnomAD v4.1: 10 of 1,613,940 alleles (0.00062%); highest among the groups gnomAD compares: Admixed American, 0.015%; no homozygotes.

Submission:

Labcorp Genetics (formerly Invitae), Labcorp
Classification: Uncertain significance. Last evaluated: 2022-12-06. Review status: criteria provided, single submitter. Criteria: Invitae Variant Classification Sherloc (09022015). Collection method: clinical testing. Allele origin: germline.
Comment: In summary, the available evidence is currently insufficient to determine the role of this variant in disease. Therefore, it has been classified as a Variant of Uncertain Significance. Algorithms developed to predict the effect of missense changes on protein structure and function (SIFT, PolyPhen-2, Align-GVGD) all suggest that this variant is likely to be tolerated. ClinVar contains an entry for this variant (Variation ID: 1367037). This variant has not been reported in the literature in individuals affected with RPS6KC1-related conditions. This variant is present in population databases (rs776693648, gnomAD 0.03%). This sequence change replaces serine, which is neutral and polar, with alanine, which is neutral and non-polar, at codon 826 of the RPS6KC1 protein (p.Ser826Ala).